The following is an entry in ClinVar:

ClinVar aggregate classification (germline): Conflicting classifications of pathogenicity. Review status: criteria provided, conflicting classifications (1 of 4 stars). 5 submissions from 5 submitters: Uncertain significance (3); Benign (1); Likely benign (1). Last evaluated 2026-01-26.

Conditions:
Neurofibromatosis, type 2 (SWNV). Also called: NF2-Related Schwannomatosis; BILATERAL ACOUSTIC NEUROFIBROMATOSIS; SCHWANNOMATOSIS, VESTIBULAR. Identifiers: Orphanet 637, MedGen C0027832, MONDO:0007039, OMIM 101000. Disease mechanism: loss of function.
Familial meningioma. Also called: Meningioma, familial, susceptibility to. Identifiers: Orphanet 263662, MedGen C3551915, MONDO:0011789, OMIM 607174.
Hereditary cancer-predisposing syndrome. Also called: Tumor predisposition; Neoplastic Syndromes, Hereditary; Hereditary neoplastic syndrome; Hereditary Cancer Syndrome. Identifiers: Orphanet 140162, MedGen C0027672, MeSH D009386, MONDO:0015356.

Allele frequency attached by ClinVar (database versions not stated): gnomAD exomes 0.00002 and 0.00001; ExAC 0.00003.
gnomAD v4.1: 15 of 1,613,044 alleles (0.00093%); highest among the groups gnomAD compares: Admixed American, 0.005%; no homozygotes.

Submissions (5):

Labcorp Genetics (formerly Invitae), Labcorp
Classification: Likely benign for Neurofibromatosis, type 2. Last evaluated: 2026-01-26. Review status: criteria provided, single submitter. Criteria: Invitae Variant Classification Sherloc (09022015). Collection method: clinical testing. Allele origin: germline.

Fulgent Genetics
Classification: Uncertain significance for Neurofibromatosis, type 2; Familial meningioma. Last evaluated: 2024-03-14. Review status: criteria provided, single submitter. Criteria: ACMG Guidelines, 2015. Collection method: clinical testing. Allele origin: germline.

All of Us Research Program, National Institutes of Health
Classification: Uncertain significance for Neurofibromatosis, type 2. Last evaluated: 2023-11-30. Review status: criteria provided, single submitter. Criteria: ACMG Guidelines, 2015. Collection method: clinical testing. Allele origin: germline. Inheritance: Autosomal dominant inheritance. Observed: 3 variant alleles, 3 heterozygotes.
Comment: This missense variant replaces arginine with histidine at codon 291 of the NF2 protein. Computational prediction suggests that this variant may have deleterious impact on protein structure and function (internally defined REVEL score threshold >= 0.7, PMID: 27666373). To our knowledge, functional studies have not been reported for this variant. This variant has not been reported in individuals affected with NF2-related disorders in the literature. This variant has been identified in 5/251116 chromosomes in the general population by the Genome Aggregation Database (gnomAD). The available evidence is insufficient to determine the role of this variant in disease conclusively. Therefore, this variant is classified as a Variant of Uncertain Significance.

This study involves interpretation of variants in research participants for the purpose of population health screening. Participant phenotype was not available at the time of variant classification. Additional details can be found in publication PMID: 35346344, PMCID: PMC8962531

Ambry Genetics
Classification: Benign for Hereditary cancer-predisposing syndrome. Last evaluated: 2023-05-04. Review status: criteria provided, single submitter. Criteria: Ambry Variant Classification Scheme 2023. Collection method: clinical testing. Allele origin: germline.

Genome-Nilou Lab
Classification: Uncertain significance for Neurofibromatosis, type 2. Last evaluated: 2021-11-07. Review status: criteria provided, single submitter. Criteria: ACMG Guidelines, 2015. Collection method: clinical testing. Allele origin: germline. Affected: no.

NM_000268.4(NF2):c.872G>A (p.Arg291His)

Gene: NF2 (NF2, moesin-ezrin-radixin like (MERLIN) tumor suppressor; plus strand). Cytogenetic location: 22q12.2.
Variant type: single nucleotide variant.
Coding change: c.872G>A on transcript NM_000268.4 (MANE Select); coding-DNA position 872, G replaced by A.
Protein change: p.Arg291His; replaces arginine 291 with histidine.
Molecular consequence: missense variant. On other transcripts: non-coding transcript variant (1), intron variant (1).
Genome position (GRCh38, 1-based): chr22:29,665,051, G>A. VCF-style: chr22-29665051-G-A. GRCh37 (hg19) VCF-style: chr22-30061040-G-A.
Other names: c.872G>A, p.Arg291His (NM_016418.5, NM_181825.3, NM_181832.3); c.746G>A, p.Arg249His (NM_181828.3); c.749G>A, p.Arg250His (NM_181829.3); c.623G>A, p.Arg208His (NM_181830.3, NM_181831.3); c.447+22766G>A (NM_181833.3); short protein forms R291H, R249H, R250H, R208H.
Identifiers: ClinVar variation 568655 (VCV000568655.16), dbSNP rs755200117, ClinGen allele CA035525.